The following is an entry in ClinVar:

ClinVar aggregate classification (germline): Likely benign (1 of 4 stars; one submission).

Submission:

ARUP Laboratories, Molecular Genetics and Genomics, ARUP Laboratories
Classification: Likely benign. Last evaluated: 2024-10-28. Review status: criteria provided, single submitter. Criteria: ARUP Molecular Germline Variant Investigation Process 2024. Collection method: clinical testing. Allele origin: germline.
Comment: The Hb Frankfurt variant (HBA1: c.153C>G; p.His51Gln, also known as His50Gln when numbered from the mature protein, rs33966883, HbVar ID: 73) is reported in the heterozygous state in individuals with normal hematological parameters (see HbVar database and references therein). Additionally, this variant was found in an individual with mild microcytosis, however they also carried the alpha-3.7kb deletion and the p.His51Gln was found on the 3.7kb deletion fusion allele (Prehu 2003). This variant is absent from the Genome Aggregation Database (v2.1.1), indicating it is not a common polymorphism. Computational analyses are uncertain whether this variant is neutral or deleterious (REVEL: 0.562). Based on available information, this variant is considered to be likely benign. References: Link to HbVar database: Prehu C et al. An identical mutation carried by different genes: Hb Frankfurt (alpha50(CE8)His->Gln). Haematologica. 2003 May;88(5):ECR19. PMID: 12745288.

NM_000558.5(HBA1):c.153C>G (p.His51Gln)

Genes: HBA1 (hemoglobin subunit alpha 1; plus strand), LOC106804613 (hemoglobin subunit alpha 1 recombination region; plus strand). Cytogenetic location: 16p13.3.
Variant type: single nucleotide variant.
Coding change: c.153C>G on transcript NM_000558.5 (MANE Select); coding-DNA position 153, C replaced by G.
Protein change: p.His51Gln; replaces histidine 51 with glutamine.
Molecular consequence: missense variant.
Genome position (GRCh38, 1-based): chr16:176,986, C>G. VCF-style: chr16-176986-C-G. GRCh37 (hg19) VCF-style: chr16-226985-C-G.
Other names: short protein forms H51Q.
Identifiers: ClinVar variation 3766932 (VCV003766932.1).